The following is an entry in ClinVar:

NM_003265.3(TLR3):c.421A>G (p.Asn141Asp)

Gene: TLR3 (toll like receptor 3; plus strand). Cytogenetic location: 4q35.1.
Variant type: single nucleotide variant.
Coding change: c.421A>G on transcript NM_003265.3 (MANE Select); coding-DNA position 421, A replaced by G.
Protein change: p.Asn141Asp; replaces asparagine 141 with aspartic acid.
Molecular consequence: missense variant.
Genome position (GRCh38, 1-based): chr4:186,077,040, A>G. VCF-style: chr4-186077040-A-G. GRCh37 (hg19) VCF-style: chr4-186998194-A-G.
Other names: short protein forms N141D.
Identifiers: ClinVar variation 2874143 (VCV002874143.4), dbSNP rs752393845, ClinGen allele CA3161207.
Genomic context (GRCh38, chr4:186,077,040, plus strand): 5'-TTCTGCACGAATTTGACTGAACTCCATCTCATGTCCAACTCAATCCAGAAAATTAAAAAT[A>G]ATCCCTTTGTCAAGCAGAAGGTAAGTTGAAAATGTCTATTGTTACTAATGTTTTTAAGTC-3'
Protein context (NP_003256.1, residues 131-151): MSNSIQKIKN[Asn141Asp]PFVKQKNLIT

ClinVar aggregate classification (germline): Uncertain significance. Review status: criteria provided, multiple submitters, no conflicts (2 of 4 stars). 2 submissions from 2 submitters: Uncertain significance (2). Last evaluated 2024-08-05.

Conditions:
Encephalopathy, acute, infection-induced (herpes-specific), susceptibility to, 1. Also called: Herpes simplex encephalitis, susceptibility to, 1. Identifiers: Orphanet 1930, MedGen C2750180, MONDO:0024563, OMIM 610551.

Allele frequency attached by ClinVar (database versions not stated): ExAC 0.00001; gnomAD 0.00001; TOPMed 0.00001.

Submissions (2):

Ambry Genetics
Classification: Uncertain significance. Last evaluated: 2024-08-05. Review status: criteria provided, single submitter. Criteria: Ambry Variant Classification Scheme 2023. Collection method: clinical testing. Allele origin: germline.

Labcorp Genetics (formerly Invitae), Labcorp
Classification: Uncertain significance for Encephalopathy, acute, infection-induced (herpes-specific), susceptibility to, 1. Last evaluated: 2024-01-13. Review status: criteria provided, single submitter. Criteria: Invitae Variant Classification Sherloc (09022015). Collection method: clinical testing. Allele origin: germline.
Comment: This sequence change replaces asparagine, which is neutral and polar, with aspartic acid, which is acidic and polar, at codon 141 of the TLR3 protein (p.Asn141Asp). This variant is present in population databases (rs752393845, gnomAD 0.007%). This variant has not been reported in the literature in individuals affected with TLR3-related conditions. Algorithms developed to predict the effect of missense changes on protein structure and function output the following: SIFT: "Not Available"; PolyPhen-2: "Benign"; Align-GVGD: "Not Available". The aspartic acid amino acid residue is found in multiple mammalian species, which suggests that this missense change does not adversely affect protein function. In summary, the available evidence is currently insufficient to determine the role of this variant in disease. Therefore, it has been classified as a Variant of Uncertain Significance.